The following is an entry in ClinVar:

NM_016238.3(ANAPC7):c.159_160del (p.Phe54fs)

Gene: ANAPC7 (anaphase promoting complex subunit 7; minus strand). Cytogenetic location: 12q24.11.
Variant type: Microsatellite.
Coding change: c.159_160del on transcript NM_016238.3 (MANE Select); coding-DNA positions 159 to 160, 2 bases deleted (CT; older notation c.159_160delCT).
Protein change: p.Phe54fs; shifts the reading frame from phenylalanine 54.
Molecular consequence: frameshift variant. On other transcripts: 5 prime UTR variant (3).
Genome position (GRCh38, 1-based): chr12:110,396,394-110,396,395, AG deleted on the plus strand (CT on the coding strand, the reverse complement: ANAPC7 is on the minus strand); deleting any 2 consecutive bases within chr12:110,396,394-110,396,400 gives the same sequence; the c. name uses the placement nearest the transcript's 3' end. VCF-style (leftmost placement, unchanged base first): chr12-110396393-AAG-A. GRCh37 (hg19) VCF-style: chr12-110834198-AAG-A.
Other names: c.159_160del, p.Phe54fs (NM_001137664.2, NM_001385211.1); c.201_202del, p.Phe68fs (NM_001385208.1); c.-47CT[2] (NM_001385209.1, NM_001385210.1); c.-295CT[2] (NM_001385212.1); short protein forms F54fs, F68fs.
Identifiers: ClinVar variation 2643288 (VCV002643288.24), dbSNP rs2548593502, ClinGen allele CA2695199171.

ClinVar aggregate classification (germline): Uncertain significance (1 of 4 stars; one submission).

Submission:

CeGaT Center for Human Genetics Tuebingen
Classification: Uncertain significance. Last evaluated: 2024-12-01. Review status: criteria provided, single submitter. Criteria: CeGaT Center For Human Genetics Tuebingen Variant Classification Criteria Version 2. Collection method: clinical testing. Allele origin: germline. Affected: yes. Observed: 7 variant alleles.
Comment: ANAPC7: PM2, PVS1:Moderate, BS2